The following is an entry in ClinVar:

ClinVar aggregate classification (germline): Likely benign. Review status: criteria provided, multiple submitters, no conflicts (2 of 4 stars). 2 submissions from 2 submitters: Likely benign (2). Last evaluated 2024-10-13.

Conditions:
Rubinstein-Taybi syndrome (RSTS). Identifiers: Orphanet 783, MedGen C0035934, MONDO:0019188.
CREBBP-related disorder. Also called: CREBBP-related condition; CREBBP-related disorders.

Allele frequency attached by ClinVar (database versions not stated): TOPMed 0.00001; ExAC 0.00002; gnomAD exomes 0.00003.
gnomAD v4.1: 40 of 1,614,102 alleles (0.0025%); highest among the groups gnomAD compares: Non-Finnish European, 0.003%; no homozygotes.

Submissions (2):

PreventionGenetics, part of Exact Sciences
Classification: Likely benign for CREBBP-related condition. Last evaluated: 2024-10-13. Review status: criteria provided, single submitter. Criteria: ACMG Guidelines, 2015. Collection method: clinical testing. Allele origin: germline.
Comment: This variant is classified as likely benign based on ACMG/AMP sequence variant interpretation guidelines (Richards et al. 2015 PMID: 25741868, with internal and published modifications).

Labcorp Genetics (formerly Invitae), Labcorp
Classification: Likely benign for Rubinstein-Taybi syndrome. Last evaluated: 2024-03-01. Review status: criteria provided, single submitter. Criteria: Invitae Variant Classification Sherloc (09022015). Collection method: clinical testing. Allele origin: germline.

NM_004380.3(CREBBP):c.1122C>T (p.Asn374=)

Gene: CREBBP (CREB binding lysine acetyltransferase; minus strand). Cytogenetic location: 16p13.3.
Variant type: single nucleotide variant.
Coding change: c.1122C>T on transcript NM_004380.3 (MANE Select); coding-DNA position 1122, C replaced by T.
Protein change: p.Asn374=; no amino-acid change (asparagine 374 retained).
Molecular consequence: synonymous variant.
Genome position (GRCh38, 1-based): chr16:3,793,480, G>A on the plus strand (C>T on the coding strand, the complement: CREBBP is on the minus strand). VCF-style: chr16-3793480-G-A. GRCh37 (hg19) VCF-style: chr16-3843481-G-A.
Other names: c.1122C>T, p.Asn374= (NM_001079846.1); c.1122C>T (NM_004380.2).
Identifiers: ClinVar variation 2201480 (VCV002201480.5), dbSNP rs770473055, ClinGen allele CA7870510.